The following is an entry in ClinVar:

ClinVar aggregate classification (germline): Likely benign (1 of 4 stars; one submission).

gnomAD v4.1: 34 of 1,613,788 alleles (0.0021%); highest among the groups gnomAD compares: Non-Finnish European, 0.0028%; no homozygotes.

Submission:

CeGaT Center for Human Genetics Tuebingen
Classification: Likely benign. Last evaluated: 2025-04-01. Review status: criteria provided, single submitter. Criteria: CeGaT Center For Human Genetics Tuebingen Variant Classification Criteria Version 2. Collection method: clinical testing. Allele origin: germline. Affected: yes. Observed: 1 variant allele.
Comment: GLI2: BP4, BP7

NM_001374353.1(GLI2):c.4347C>T (p.Cys1449=)

Gene: GLI2 (GLI family zinc finger 2; plus strand). Cytogenetic location: 2q14.2.
Variant type: single nucleotide variant.
Coding change: c.4347C>T on transcript NM_001374353.1 (MANE Select); coding-DNA position 4347, C replaced by T.
Protein change: p.Cys1449=; no amino-acid change (cysteine 1449 retained).
Molecular consequence: synonymous variant.
Genome position (GRCh38, 1-based): chr2:120,990,312, C>T. VCF-style: chr2-120990312-C-T. GRCh37 (hg19) VCF-style: chr2-121747888-C-T.
Other names: c.4398C>T, p.Cys1466= (NM_001371271.1, NM_005270.5); c.3972C>T, p.Cys1324= (NM_001374354.1).
Identifiers: ClinVar variation 3905079 (VCV003905079.10).